The following is an entry in ClinVar:

ClinVar aggregate classification (germline): Uncertain significance (1 of 4 stars; one submission).

Submission:

Ambry Genetics
Classification: Uncertain significance. Last evaluated: 2023-10-06. Review status: criteria provided, single submitter. Criteria: Ambry Variant Classification Scheme 2023. Collection method: clinical testing. Allele origin: germline.
Comment: The c.86A>T (p.Q29L) alteration is located in exon (coding exon ) of the USP40 gene. This alteration results from a A to T substitution at nucleotide position 86, causing the glutamine (Q) at amino acid position 29 to be replaced by a leucine (L). Based on insufficient or conflicting evidence, the clinical significance of this alteration remains unclear.

NM_001365479.2(USP40):c.50A>T (p.Gln17Leu)

Gene: USP40 (ubiquitin specific peptidase 40; minus strand). Cytogenetic location: 2q37.1.
Variant type: single nucleotide variant.
Coding change: c.50A>T on transcript NM_001365479.2 (MANE Select); coding-DNA position 50, A replaced by T.
Protein change: p.Gln17Leu; replaces glutamine 17 with leucine.
Molecular consequence: missense variant. On other transcripts: non-coding transcript variant (6).
Genome position (GRCh38, 1-based): chr2:233,565,505, T>A on the plus strand (A>T on the coding strand, the complement: USP40 is on the minus strand). VCF-style: chr2-233565505-T-A. GRCh37 (hg19) VCF-style: chr2-234474151-T-A.
Other names: c.50A>T, p.Gln17Leu (NM_001382295.1, NM_001382296.1, NM_001382297.1 and 6 more transcripts); short protein forms Q17L.
Identifiers: ClinVar variation 3187612 (VCV003187612.1), dbSNP rs1553585277, ClinGen allele CA351060333.